The following is an entry in ClinVar:

NC_000023.10:g.(?_31514895)_(31986641_?)del

Gene: DMD (dystrophin; minus strand). Cytogenetic location: Xp21.1.
Variant type: Deletion.
Identifiers: ClinVar variation 1072085 (VCV001072085.2).

ClinVar aggregate classification (germline): Pathogenic (1 of 4 stars; one submission).

Conditions:
Duchenne muscular dystrophy (DMD). Also called: MUSCULAR DYSTROPHY, PSEUDOHYPERTROPHIC PROGRESSIVE, DUCHENNE TYPE; Duchenne Muscular Dystrophy (DMD). Identifiers: Orphanet 98896, MedGen C0013264, MONDO:0010679, OMIM 310200.

Submission:

Labcorp Genetics (formerly Invitae), Labcorp
Classification: Pathogenic for Duchenne muscular dystrophy. Last evaluated: 2020-10-05. Review status: criteria provided, single submitter. Criteria: Invitae Variant Classification Sherloc (09022015). Collection method: clinical testing. Allele origin: germline.
Comment: This variant is an in-frame deletion of the genomic region encompassing exon(s) 45-57 of the DMD gene. It preserves the integrity of the reading frame. This variant has been observed in individual(s) with DMD-related conditions (PMID: 19937601). The region of the DMD gene that includes exon(s) 45-46 has been determined to be clinically significant (PMID: 2063877, 15723292, 25244321). Therefore, deletions that encompass that region are likely to disrupt protein function and cause disease. For these reasons, this variant has been classified as Pathogenic.

Literature cited by the submitters: PubMed 19937601; PubMed 2063877; PubMed 15723292; PubMed 25244321.